The following is an entry in ClinVar:

ClinVar aggregate classification (germline): Uncertain significance (1 of 4 stars; one submission).

Submission:

CeGaT Center for Human Genetics Tuebingen
Classification: Uncertain significance. Last evaluated: 2025-09-01. Review status: criteria provided, single submitter. Criteria: CeGaT Center For Human Genetics Tuebingen Variant Classification Criteria Version 2. Collection method: clinical testing. Allele origin: germline. Affected: yes. Observed: 1 variant allele.
Comment: SOX11: PP3, BP2

NM_003108.4(SOX11):c.532G>T (p.Ala178Ser)

Gene: SOX11 (SRY-box transcription factor 11; plus strand). Cytogenetic location: 2p25.2.
Variant type: single nucleotide variant.
Coding change: c.532G>T on transcript NM_003108.4 (MANE Select); coding-DNA position 532, G replaced by T.
Protein change: p.Ala178Ser; replaces alanine 178 with serine.
Molecular consequence: missense variant.
Genome position (GRCh38, 1-based): chr2:5,693,253, G>T. VCF-style: chr2-5693253-G-T. GRCh37 (hg19) VCF-style: chr2-5833385-G-T.
Other names: short protein forms A178S.
Identifiers: ClinVar variation 4281551 (VCV004281551.7).